The following is an entry in ClinVar:

ClinVar aggregate classification (germline): Likely benign. Review status: criteria provided, single submitter (1 of 4 stars). 2 submissions from 2 submitters: Likely benign (1). 1 of the submissions does not count toward it. Last evaluated 2025-12-08.

Conditions:
FRAS1-related disorder. Also called: FRAS1-related condition.

Allele frequency attached by ClinVar (database versions not stated): 1000 Genomes Project 30x 0.00031.
gnomAD v4.1: 18 of 1,610,514 alleles (0.0011%); highest among the groups gnomAD compares: East Asian, 0.025%; no homozygotes.

Submissions (2):

Labcorp Genetics (formerly Invitae), Labcorp
Classification: Likely benign. Last evaluated: 2025-12-08. Review status: criteria provided, single submitter. Criteria: Invitae Variant Classification Sherloc (09022015). Collection method: clinical testing. Allele origin: germline.

PreventionGenetics, part of Exact Sciences
Classification: Likely benign for FRAS1-related condition. Last evaluated: 2020-05-19. Review status: no assertion criteria provided. Collection method: clinical testing. Allele origin: germline. Not counted in ClinVar's aggregate classification.
Comment: This variant is classified as likely benign based on ACMG/AMP sequence variant interpretation guidelines (Richards et al. 2015 PMID: 25741868, with internal and published modifications).

NM_025074.7(FRAS1):c.4365G>A (p.Ala1455=)

Gene: FRAS1 (Fraser extracellular matrix complex subunit 1; plus strand). Cytogenetic location: 4q21.21.
Variant type: single nucleotide variant.
Coding change: c.4365G>A on transcript NM_025074.7 (MANE Select); coding-DNA position 4365, G replaced by A.
Protein change: p.Ala1455=; no amino-acid change (alanine 1455 retained).
Molecular consequence: synonymous variant.
Genome position (GRCh38, 1-based): chr4:78,413,025, G>A. VCF-style: chr4-78413025-G-A. GRCh37 (hg19) VCF-style: chr4-79334179-G-A.
Other names: c.4365G>A (NM_025074.6); c.4365G>A, p.Ala1455= (NM_001166133.2).
Identifiers: ClinVar variation 2974432 (VCV002974432.5), dbSNP rs375417798, ClinGen allele CA2977175.